The following is an entry in ClinVar:

ClinVar aggregate classification (germline): Uncertain significance. Review status: criteria provided, multiple submitters, no conflicts (2 of 4 stars). 3 submissions from 3 submitters: Uncertain significance (3). Last evaluated 2024-06-03.

Conditions:
Inborn genetic diseases. Identifiers: MedGen C0950123, MeSH D030342.
Urofacial syndrome type 1. Also called: HPSE2-Related Urofacial Syndrome. Identifiers: Orphanet 2704, MedGen CN033872, MONDO:0009368, OMIM 236730.

Allele frequency attached by ClinVar (database versions not stated): gnomAD exomes 0.00002; gnomAD 0.00003; TOPMed 0.00003; ExAC 0.00008; 1000 Genomes Project 0.00020; 1000 Genomes Project 30x 0.00031.
gnomAD v4.1: 29 of 1,614,014 alleles (0.0018%); highest among the groups gnomAD compares: East Asian, 0.06%; no homozygotes.

Submissions (3):

Labcorp Genetics (formerly Invitae), Labcorp
Classification: Uncertain significance. Last evaluated: 2024-06-03. Review status: criteria provided, single submitter. Criteria: Invitae Variant Classification Sherloc (09022015). Collection method: clinical testing. Allele origin: germline.
Comment: This sequence change replaces valine, which is neutral and non-polar, with isoleucine, which is neutral and non-polar, at codon 49 of the HPSE2 protein (p.Val49Ile). This variant is present in population databases (rs199531515, gnomAD 0.1%). This variant has not been reported in the literature in individuals affected with HPSE2-related conditions. ClinVar contains an entry for this variant (Variation ID: 2186757). An algorithm developed to predict the effect of missense changes on protein structure and function (PolyPhen-2) suggests that this variant is likely to be tolerated. In summary, the available evidence is currently insufficient to determine the role of this variant in disease. Therefore, it has been classified as a Variant of Uncertain Significance.

Fulgent Genetics
Classification: Uncertain significance for Urofacial syndrome type 1. Last evaluated: 2024-02-15. Review status: criteria provided, single submitter. Criteria: ACMG Guidelines, 2015. Collection method: clinical testing. Allele origin: germline.

Ambry Genetics
Classification: Uncertain significance for Inborn genetic diseases. Last evaluated: 2023-09-12. Review status: criteria provided, single submitter. Criteria: Ambry Variant Classification Scheme 2023. Collection method: clinical testing. Allele origin: germline.

NM_021828.5(HPSE2):c.145G>A (p.Val49Ile)

Gene: HPSE2 (heparanase 2 (inactive); minus strand). Cytogenetic location: 10q24.2.
Variant type: single nucleotide variant.
Coding change: c.145G>A on transcript NM_021828.5 (MANE Select); coding-DNA position 145, G replaced by A.
Protein change: p.Val49Ile; replaces valine 49 with isoleucine.
Molecular consequence: missense variant.
Genome position (GRCh38, 1-based): chr10:99,235,658, C>T on the plus strand (G>A on the coding strand, the complement: HPSE2 is on the minus strand). VCF-style: chr10-99235658-C-T. GRCh37 (hg19) VCF-style: chr10-100995415-C-T.
Other names: c.145G>A, p.Val49Ile (NM_001166244.1, NM_001166245.1, NM_001166246.1); c.145G>A (NM_021828.4); short protein forms V49I.
Identifiers: ClinVar variation 2186757 (VCV002186757.7), dbSNP rs199531515, ClinGen allele CA5640065.
Genomic context (GRCh38, chr10:99,235,658, plus strand): 5'-TCTTGGTGCTCACATCAAGTAGAATCAGGGTCTTTTCCTTCAAACCTGCAGCTCTGTCTA[C>T]AGGCAAGGGTCTCCTGTCTCCAGCCTGGGAGGAAAGGGAGAGATGGAGCAACAGAGCCAA-3'
Protein context (NP_068600.4, residues 39-59): SQAGDRRPLP[Val49Ile]DRAAGLKEKT